The following is an entry in ClinVar:

NM_001267550.2(TTN):c.87291del (p.Glu29098fs)

Genes: TTN (titin; minus strand), TTN-AS1 (TTN antisense RNA 1; plus strand). Cytogenetic location: 2q31.2.
Variant type: Deletion.
Coding change: c.87291del on transcript NM_001267550.2 (MANE Select); coding-DNA position 87291, one base deleted (T; older notation c.87291delT).
Protein change: p.Glu29098fs; shifts the reading frame from glutamic acid 29098.
Molecular consequence: frameshift variant.
Genome position (GRCh38, 1-based): chr2:178,558,063, A deleted on the plus strand (T on the coding strand, the reverse complement: TTN is on the minus strand). VCF-style (leftmost placement, unchanged base first): chr2-178558062-CA-C. GRCh37 (hg19) VCF-style: chr2-179422789-CA-C.
Other names: c.82368del, p.Glu27457fs (NM_001256850.1); c.60096del, p.Glu20033fs (NM_003319.4); c.79587del, p.Glu26530fs (NM_133378.4); c.60471del, p.Glu20158fs (NM_133432.3); c.60672del, p.Glu20225fs (NM_133437.4); short protein forms E20033fs, E20158fs, E20225fs, E26530fs, E27457fs, E29098fs.
Identifiers: ClinVar variation 3756796 (VCV003756796.2).

ClinVar aggregate classification (germline): Likely pathogenic (1 of 4 stars; one submission).

Conditions:
Dilated cardiomyopathy 1G (CMD1G). Identifiers: Orphanet 154, MedGen C1858763, MONDO:0011400, OMIM 604145.
Autosomal recessive limb-girdle muscular dystrophy type 2J (LGMDR10). Also called: Limb-girdle muscular dystrophy, type 2J; MUSCULAR DYSTROPHY, LIMB-GIRDLE, AUTOSOMAL RECESSIVE 10. Identifiers: Orphanet 140922, MedGen C1837342, MONDO:0012127, OMIM 608807.

Submission:

Labcorp Genetics (formerly Invitae), Labcorp
Classification: Likely pathogenic for Dilated cardiomyopathy 1G; Autosomal recessive limb-girdle muscular dystrophy type 2J. Last evaluated: 2025-02-18. Review status: criteria provided, single submitter. Criteria: Invitae Variant Classification Sherloc (09022015). Collection method: clinical testing. Allele origin: germline.
Comment: This sequence change creates a premature translational stop signal (p.Glu29098Argfs*3) in the TTN gene. While this is not anticipated to result in nonsense mediated decay, it is expected to create a truncated TTN protein. This variant is not present in population databases (gnomAD no frequency). This variant has not been reported in the literature in individuals affected with TTN-related conditions. This variant is located in the A band of TTN (PMID: 25589632). Truncating variants in this region are significantly overrepresented in patients affected with dilated cardiomyopathy (PMID: 25589632). Truncating variants in this region have also been reported in individuals affected with autosomal recessive centronuclear myopathy (PMID: 23975875). In summary, the currently available evidence indicates that the variant is pathogenic, but additional data are needed to prove that conclusively. Therefore, this variant has been classified as Likely Pathogenic.

Literature cited by the submitters: PubMed 25589632; PubMed 23975875.